The following is an entry in ClinVar:

NM_001375808.2(LPIN2):c.1043C>T (p.Pro348Leu)

Gene: LPIN2 (lipin 2; minus strand). Cytogenetic location: 18p11.31.
Variant type: single nucleotide variant.
Coding change: c.1043C>T on transcript NM_001375808.2 (MANE Select); coding-DNA position 1043, C replaced by T.
Protein change: p.Pro348Leu; replaces proline 348 with leucine.
Molecular consequence: missense variant.
Genome position (GRCh38, 1-based): chr18:2,937,817, G>A on the plus strand (C>T on the coding strand, the complement: LPIN2 is on the minus strand). VCF-style: chr18-2937817-G-A. GRCh37 (hg19) VCF-style: chr18-2937815-G-A.
Other names: c.1043C>T, p.Pro348Leu (NM_001375809.1, NM_014646.2); short protein forms P348L.
Identifiers: ClinVar variation 21518 (VCV000021518.73), dbSNP rs34676691, ClinGen allele CA342163.
Genomic context (GRCh38, chr18:2,937,817, plus strand): 5'-GCTGCGTTGGGAAGGTGGTCAGCATCTAACATAGATGAAATCTGAGTACTCTCAAGAGGA[G>A]GTTCGAGAAGCTCTGCCACAGATGTTGGGTCGCTCATCTGTGTACCCAGGGCTCTGGGTT-3'
Protein context (NP_001362737.1, residues 338-358): DPTSVAELLE[Pro348Leu]PLESTQISSM

ClinVar aggregate classification (germline): Benign/Likely benign. Review status: criteria provided, multiple submitters, no conflicts (2 of 4 stars). 13 submissions from 13 submitters: Benign (1); Likely benign (8). 4 of the submissions do not count toward it. Last evaluated 2026-04-01.

Conditions:
Autoinflammatory syndrome. Identifiers: Orphanet 93665, MedGen C3890737, MONDO:0019751.
Majeed syndrome (MJDS). Also called: LPIN2-Related Majeed Syndrome; CHRONIC RECURRENT MULTIFOCAL OSTEOMYELITIS 1, WITH CONGENITAL DYSERYTHROPOIETIC ANEMIA, WITH OR WITHOUT NEUTROPHILIC DERMATOSIS. Identifiers: Orphanet 77297, MedGen C1864997, MONDO:0012316, OMIM 609628.

Allele frequency attached by ClinVar (database versions not stated): gnomAD 0.00051; TOPMed 0.00073; 1000 Genomes Project 0.00120; 1000 Genomes Project 30x 0.00125; ESP Exome Variant Server 0.00046; gnomAD exomes 0.00135; ExAC 0.00151.

Submissions (13):

CeGaT Center for Human Genetics Tuebingen
Classification: Likely benign. Last evaluated: 2026-04-01. Review status: criteria provided, single submitter. Criteria: CeGaT Center For Human Genetics Tuebingen Variant Classification Criteria Version 2. Collection method: clinical testing. Allele origin: germline. Affected: yes. Observed: 13 variant alleles.
Comment: LPIN2: BP4, BS2

Women's Health and Genetics/Laboratory Corporation of America, LabCorp
Classification: Likely benign. Last evaluated: 2026-02-11. Review status: criteria provided, single submitter. Criteria: LabCorp Variant Classification Summary - May 2015. Collection method: clinical testing. Allele origin: germline.
Comment: Variant summary: LPIN2 c.1043C>T (p.Pro348Leu) results in a non-conservative amino acid change in the encoded protein sequence. Algorithms developed to predict the effect of missense changes on protein structure and function are either unavailable or do not agree on the potential impact of this missense change. The variant allele was found at a frequency of 0.0014 in 251446 control chromosomes, predominantly at a frequency of 0.0045 within the South Asian subpopulation in the gnomAD database. The observed variant frequency within South Asian control individuals in the gnomAD database exceeds the estimated maximal expected allele frequency for disease-causing variants in LPIN2. To our knowledge, no occurrence of c.1043C>T in individuals affected with LPIN2-related conditions and no experimental evidence demonstrating its impact on protein function have been reported. ClinVar contains an entry for this variant (Variation ID: 21518). Based on the evidence outlined above, the variant was classified as likely benign.

Labcorp Genetics (formerly Invitae), Labcorp
Classification: Benign for Majeed syndrome. Last evaluated: 2026-02-04. Review status: criteria provided, single submitter. Criteria: Invitae Variant Classification Sherloc (09022015). Collection method: clinical testing. Allele origin: germline.

ARUP Laboratories, Molecular Genetics and Genomics, ARUP Laboratories
Classification: Likely benign for Majeed syndrome. Last evaluated: 2025-01-09. Review status: criteria provided, single submitter. Criteria: ARUP Molecular Germline Variant Investigation Process 2024. Collection method: clinical testing. Allele origin: germline.

Blueprint Genetics
Classification: Likely benign. Last evaluated: 2024-11-17. Review status: criteria provided, single submitter. Criteria: ACMG Guidelines, 2015. Collection method: clinical testing. Allele origin: germline.

Genome Diagnostics Laboratory, The Hospital for Sick Children
Classification: Likely benign for Autoinflammatory syndrome. Last evaluated: 2021-12-23. Review status: criteria provided, single submitter. Criteria: ACMG Guidelines, 2015. Collection method: clinical testing. Allele origin: germline. Affected: yes.

GeneDx
Classification: Likely benign. Last evaluated: 2021-02-25. Review status: criteria provided, single submitter. Criteria: GeneDx Variant Classification Process June 2021. Collection method: clinical testing. Allele origin: germline. Affected: yes.
Comment: This variant is associated with the following publications: (PMID: 20981092, 26386126, 20301735)

Illumina Laboratory Services, Illumina
Classification: Likely benign for Majeed syndrome. Last evaluated: 2017-04-27. Review status: criteria provided, single submitter. Criteria: ICSL Variant Classification Criteria 13 December 2019. Collection method: clinical testing. Allele origin: germline.
Comment: This variant was observed as part of a predisposition screen in an ostensibly healthy population. A literature search was performed for the gene, cDNA change, and amino acid change (where applicable). Publications were found based on this search. The evidence from the literature, in combination with allele frequency data from public databases where available, was sufficient to determine this variant is unlikely to cause disease. Therefore, this variant is classified as likely benign.

Breakthrough Genomics
Classification: Likely benign. Review status: criteria provided, single submitter. Criteria: ACMG Guidelines, 2015. Collection method: not provided. Allele origin: germline. Inheritance: Unknown mechanism. Affected: yes.

Clinical Genetics DNA and cytogenetics Diagnostics Lab, Erasmus MC, Erasmus Medical Center
Classification: Likely benign. Review status: no assertion criteria provided. Collection method: clinical testing. Allele origin: germline. Affected: yes. Study: VKGL Data-share Consensus. Not counted in ClinVar's aggregate classification.

GeneReviews
No classification provided. Condition: Majeed syndrome. Review status: no classification provided. Collection method: literature only. Allele origin: unknown. Not counted in ClinVar's aggregate classification.

Genome Diagnostics Laboratory, University Medical Center Utrecht
Classification: Likely benign. Review status: no assertion criteria provided. Collection method: clinical testing. Allele origin: germline. Affected: yes. Study: VKGL Data-share Consensus. Not counted in ClinVar's aggregate classification.

Laboratory of Diagnostic Genome Analysis, Leiden University Medical Center (LUMC)
Classification: Likely benign. Review status: no assertion criteria provided. Collection method: clinical testing. Allele origin: germline. Affected: yes. Study: VKGL Data-share Consensus. Not counted in ClinVar's aggregate classification.

Literature cited by the submitters: PubMed 18409191 (cited by Illumina Laboratory Services, Illumina); PubMed 20645851 (cited by Illumina Laboratory Services, Illumina); PubMed 20032092 (cited by Illumina Laboratory Services, Illumina); PubMed 20301735 (cited by GeneReviews); NCBI Bookshelf NBK1974 (cited by GeneReviews).